The following is an entry in ClinVar:

ClinVar aggregate classification (germline): Uncertain significance (1 of 4 stars; one submission).

Conditions:
Autosomal recessive limb-girdle muscular dystrophy type 2P. Also called: Limb-Girdle Muscular Dystrophy Type 9C; MUSCULAR DYSTROPHY, LIMB-GIRDLE, TYPE 2P; MUSCULAR DYSTROPHY-DYSTROGLYCANOPATHY, LIMB-GIRDLE, DAG1-RELATED. Identifiers: Orphanet 280333, MedGen C4511963, MONDO:0013440, OMIM 613818.
Muscular dystrophy-dystroglycanopathy (congenital with brain and eye anomalies), type A9. Also called: WALKER-WARBURG SYNDROME OR MUSCLE-EYE BRAIN DISEASE, DAG1-RELATED; Muscular dystrophy-dystroglycanopathy (congenital with brain and eye anomalies), type a, 9. Identifiers: Orphanet 370997, Orphanet 899, MedGen C4225291, MONDO:0014683, OMIM 616538.

Allele frequency attached by ClinVar (database versions not stated): gnomAD exomes below 0.00001; TOPMed below 0.00001; gnomAD 0.00001.
gnomAD v4.1: 7 of 1,614,010 alleles (0.00043%); highest among the groups gnomAD compares: Non-Finnish European, 0.00051%; no homozygotes.

Submission:

Labcorp Genetics (formerly Invitae), Labcorp
Classification: Uncertain significance for Autosomal recessive limb-girdle muscular dystrophy type 2P; Muscular dystrophy-dystroglycanopathy (congenital with brain and eye anomalies), type A9. Last evaluated: 2023-08-30. Review status: criteria provided, single submitter. Criteria: Invitae Variant Classification Sherloc (09022015). Collection method: clinical testing. Allele origin: germline.
Comment: In summary, the available evidence is currently insufficient to determine the role of this variant in disease. Therefore, it has been classified as a Variant of Uncertain Significance. Advanced modeling of protein sequence and biophysical properties (such as structural, functional, and spatial information, amino acid conservation, physicochemical variation, residue mobility, and thermodynamic stability) performed at Invitae indicates that this missense variant is expected to disrupt DAG1 protein function. ClinVar contains an entry for this variant (Variation ID: 1517865). This variant has not been reported in the literature in individuals affected with DAG1-related conditions. This variant is present in population databases (no rsID available, gnomAD 0.004%). This sequence change replaces alanine, which is neutral and non-polar, with valine, which is neutral and non-polar, at codon 860 of the DAG1 protein (p.Ala860Val).

NM_004393.6(DAG1):c.2579C>T (p.Ala860Val)

Gene: DAG1 (dystroglycan 1; plus strand). Cytogenetic location: 3p21.31.
Variant type: single nucleotide variant.
Coding change: c.2579C>T on transcript NM_004393.6 (MANE Select); coding-DNA position 2579, C replaced by T.
Protein change: p.Ala860Val; replaces alanine 860 with valine.
Molecular consequence: missense variant.
Genome position (GRCh38, 1-based): chr3:49,533,090, C>T. VCF-style: chr3-49533090-C-T. GRCh37 (hg19) VCF-style: chr3-49570523-C-T.
Other names: c.2579C>T, p.Ala860Val (NM_001165928.4, NM_001177634.3, NM_001177635.3 and 9 more transcripts); short protein forms A860V.
Identifiers: ClinVar variation 1517865 (VCV001517865.5), dbSNP rs1192529932, ClinGen allele CA352798613.